The following is an entry in ClinVar:

ClinVar aggregate classification (germline): Pathogenic (1 of 4 stars; one submission).

Conditions:
Rubinstein-Taybi syndrome (RSTS). Identifiers: Orphanet 783, MedGen C0035934, MONDO:0019188.

Submission:

Labcorp Genetics (formerly Invitae), Labcorp
Classification: Pathogenic for Rubinstein-Taybi syndrome. Last evaluated: 2020-01-13. Review status: criteria provided, single submitter. Criteria: Invitae Variant Classification Sherloc (09022015). Collection method: clinical testing. Allele origin: germline.
Comment: For these reasons, this variant has been classified as Pathogenic. Loss-of-function variants in CREBBP are known to be pathogenic (PMID: 17052327, 18792986). This variant has not been reported in the literature in individuals with CREBBP-related conditions. This variant is not present in population databases (ExAC no frequency). This sequence change creates a premature translational stop signal (p.Gly268*) in the CREBBP gene. It is expected to result in an absent or disrupted protein product.

Literature cited by the submitters: PubMed 17052327; PubMed 18792986.

NM_004380.3(CREBBP):c.802G>T (p.Gly268Ter)

Gene: CREBBP (CREB binding lysine acetyltransferase; minus strand). Cytogenetic location: 16p13.3.
Variant type: single nucleotide variant.
Coding change: c.802G>T on transcript NM_004380.3 (MANE Select); coding-DNA position 802, G replaced by T.
Protein change: p.Gly268Ter; replaces glycine 268 with a stop codon.
Molecular consequence: nonsense.
Genome position (GRCh38, 1-based): chr16:3,810,776, C>A on the plus strand (G>T on the coding strand, the complement: CREBBP is on the minus strand). VCF-style: chr16-3810776-C-A. GRCh37 (hg19) VCF-style: chr16-3860777-C-A.
Other names: c.802G>T, p.Gly268Ter (NM_001079846.1); short protein forms G268*.
Identifiers: ClinVar variation 1071591 (VCV001071591.7), dbSNP rs2053923868, ClinGen allele CA394566230.